The following is an entry in ClinVar:

NM_198578.4(LRRK2):c.7501C>A (p.Pro2501Thr)

Gene: LRRK2 (leucine rich repeat kinase 2; plus strand). Cytogenetic location: 12q12.
Variant type: single nucleotide variant.
Coding change: c.7501C>A on transcript NM_198578.4 (MANE Select); coding-DNA position 7501, C replaced by A.
Protein change: p.Pro2501Thr; replaces proline 2501 with threonine.
Molecular consequence: missense variant.
Genome position (GRCh38, 1-based): chr12:40,367,682, C>A. VCF-style: chr12-40367682-C-A. GRCh37 (hg19) VCF-style: chr12-40761484-C-A.
Other names: short protein forms P2501T.
Identifiers: ClinVar variation 1759222 (VCV001759222.5), dbSNP rs1416992465, ClinGen allele CA384416099.

ClinVar aggregate classification (germline): Uncertain significance. Review status: criteria provided, multiple submitters, no conflicts (2 of 4 stars). 2 submissions from 2 submitters: Uncertain significance (2). Last evaluated 2025-05-18.

Conditions:
Inborn genetic diseases. Identifiers: MedGen C0950123, MeSH D030342.

Submissions (2):

Ambry Genetics
Classification: Uncertain significance for Inborn genetic diseases. Last evaluated: 2025-05-18. Review status: criteria provided, single submitter. Criteria: Ambry Variant Classification Scheme 2023. Collection method: clinical testing. Allele origin: germline.

GeneDx
Classification: Uncertain significance. Last evaluated: 2024-05-15. Review status: criteria provided, single submitter. Criteria: GeneDx Variant Classification Process June 2021. Collection method: clinical testing. Allele origin: germline. Affected: yes.
Comment: Not observed at significant frequency in large population cohorts (gnomAD); In silico analysis indicates that this missense variant does not alter protein structure/function; Has not been previously published as pathogenic or benign to our knowledge